The following is an entry in ClinVar:

NM_000352.6(ABCC8):c.3868-5C>T

Gene: ABCC8 (ATP binding cassette subfamily C member 8; minus strand). Cytogenetic location: 11p15.1.
Variant type: single nucleotide variant.
Coding change: c.3868-5C>T on transcript NM_000352.6 (MANE Select); 5 bases into the intron before coding-DNA position 3868, C replaced by T.
Molecular consequence: intron variant.
Genome position (GRCh38, 1-based): chr11:17,397,318, G>A on the plus strand (C>T on the coding strand, the complement: ABCC8 is on the minus strand). VCF-style: chr11-17397318-G-A. GRCh37 (hg19) VCF-style: chr11-17418865-G-A.
Other names: c.3865-5C>T (NM_001351297.2); c.3868-5C>T (NM_001351296.2); c.3934-5C>T (NM_001351295.2); c.3871-5C>T (NM_001287174.3).
Identifiers: ClinVar variation 765419 (VCV000765419.9), dbSNP rs1591715618, ClinGen allele CA915947967.

ClinVar aggregate classification (germline): Conflicting classifications of pathogenicity. Review status: criteria provided, conflicting classifications (1 of 4 stars). 3 submissions from 2 submitters: Uncertain significance (2); Likely benign (1). Last evaluated 2024-02-05.

Conditions:
Maturity-onset diabetes of the young (MODY). Also called: Maturity onset diabetes mellitus in young. Identifiers: Orphanet 552, MedGen C0342276, MONDO:0018911, HP:0004904.
Transitory neonatal diabetes mellitus. Also called: Transient neonatal diabetes mellitus. Identifiers: MedGen C0342273, MONDO:0020525, HP:0008255.

Allele frequency attached by ClinVar (database versions not stated): TOPMed below 0.00001; gnomAD 0.00001.
gnomAD v4.1: 2 of 1,610,182 alleles (0.00012%); highest among the groups gnomAD compares: African/African-American, 0.0013%; no homozygotes.

Submissions (3):

Labcorp Genetics (formerly Invitae), Labcorp
Classification: Likely benign. Last evaluated: 2024-02-05. Review status: criteria provided, single submitter. Criteria: Invitae Variant Classification Sherloc (09022015). Collection method: clinical testing. Allele origin: germline.

Clinical Genomics, Uppaluri K&H Personalized Medicine Clinic
Classification: Uncertain significance for Maturity-onset diabetes of the young. Review status: criteria provided, single submitter. Criteria: K & H Uppaluri Personalized Medicine Clinic Variant Classification & Assertion Criteria_Updated V.1. Collection method: research. Allele origin: somatic. Inheritance: Somatic mutation.
Comment: Mutations in ABCC8 gene are associated with both neonatal diabetes mellitus as well as MODY. Patients with this mutation may have a better response to sulfonylureas. However, no sufficient evidence is found to ascertain the role of this particular variant (rs1591715618) in MODY yet.

Clinical Genomics, Uppaluri K&H Personalized Medicine Clinic
Classification: Uncertain significance for Transitory neonatal diabetes mellitus. Review status: criteria provided, single submitter. Criteria: K & H Uppaluri Personalized Medicine Clinic Variant Classification & Assertion Criteria_Updated V.1. Collection method: research. Allele origin: somatic. Inheritance: Somatic mutation.
Comment: Mutations in ABCC8 gene are associated with both neonatal diabetes mellitus as well as MODY. Patients with this mutation may have a better response to sulfonylureas. However, no sufficient evidence is found to ascertain the role of this particular variant (rs1591715618) in neonatal diabetes yet.

Literature cited by the submitters: PubMed 16885549 (cited by Clinical Genomics, Uppaluri K&H Personalized Medicine Clinic); PubMed 21989597 (cited by Clinical Genomics, Uppaluri K&H Personalized Medicine Clinic); PubMed 27538677 (cited by Clinical Genomics, Uppaluri K&H Personalized Medicine Clinic); PubMed 18981553 (cited by Clinical Genomics, Uppaluri K&H Personalized Medicine Clinic); PubMed 32027066 (cited by Clinical Genomics, Uppaluri K&H Personalized Medicine Clinic); PubMed 16613899 (cited by Clinical Genomics, Uppaluri K&H Personalized Medicine Clinic); PubMed 18025408 (cited by Clinical Genomics, Uppaluri K&H Personalized Medicine Clinic); PubMed 32792356 (cited by Clinical Genomics, Uppaluri K&H Personalized Medicine Clinic).